The following is an entry in ClinVar:

NM_000553.6(WRN):c.2162G>A (p.Arg721Lys)

Gene: WRN (WRN RecQ like helicase; plus strand). Cytogenetic location: 8p12.
Variant type: single nucleotide variant.
Coding change: c.2162G>A on transcript NM_000553.6 (MANE Select); coding-DNA position 2162, G replaced by A.
Protein change: p.Arg721Lys; replaces arginine 721 with lysine.
Molecular consequence: missense variant.
Genome position (GRCh38, 1-based): chr8:31,111,688, G>A. VCF-style: chr8-31111688-G-A. GRCh37 (hg19) VCF-style: chr8-30969204-G-A.
Other names: short protein forms R721K.
Identifiers: ClinVar variation 4737596 (VCV004737596.1).

ClinVar aggregate classification (germline): Uncertain significance (1 of 4 stars; one submission).

Conditions:
Werner syndrome (WRN). Identifiers: Orphanet 902, MedGen C0043119, MONDO:0010196, OMIM 277700.

Submission:

Labcorp Genetics (formerly Invitae), Labcorp
Classification: Uncertain significance for Werner syndrome. Last evaluated: 2025-06-17. Review status: criteria provided, single submitter. Criteria: Invitae Variant Classification Sherloc (09022015). Collection method: clinical testing. Allele origin: germline.
Comment: This sequence change replaces arginine, which is basic and polar, with lysine, which is basic and polar, at codon 721 of the WRN protein (p.Arg721Lys). This variant is not present in population databases (gnomAD no frequency). This variant has not been reported in the literature in individuals affected with WRN-related conditions. An algorithm developed to predict the effect of missense changes on protein structure and function outputs the following: PolyPhen-2: "Benign". The lysine amino acid residue is found in multiple mammalian species, which suggests that this missense change does not adversely affect protein function. In summary, the available evidence is currently insufficient to determine the role of this variant in disease. Therefore, it has been classified as a Variant of Uncertain Significance.